The following is an entry in ClinVar:

ClinVar aggregate classification (germline): Uncertain significance (1 of 4 stars; one submission).

Allele frequency attached by ClinVar (database versions not stated): gnomAD exomes below 0.00001; TOPMed below 0.00001.
gnomAD v4.1: 5 of 1,478,864 alleles (0.00034%); highest among the groups gnomAD compares: Non-Finnish European, 0.00018%; no homozygotes.

Submission:

Geisinger Autism and Developmental Medicine Institute, Geisinger Health System
Classification: Uncertain significance. Last evaluated: 2017-01-17. Review status: criteria provided, single submitter. Criteria: ACMG Guidelines, 2015. Collection method: provider interpretation, clinical testing. Allele origin: unknown. Observed: 1 variant allele.
Comment: At the time of the lab report, no known human disorders had been clearly associated with this gene. At least one truncating variant has been identified in the heterozygous state in a family with autism spectrum disorder, language delay, and a family history of schizophrenia (Gauthier et al., 2011). In addition, studies of knockout mice for the longer alpha-Nrxn2 isoform have altered anxiety and social behaviors (Dachtler et al., 2014; Born et al., 2015).

Literature cited by the submitters: PubMed 21424692; PubMed 21600320; PubMed 25423136; PubMed 25745399.

NM_015080.4(NRXN2):c.3403+5509C>T

Gene: NRXN2 (neurexin 2; minus strand). Cytogenetic location: 11q13.1.
Variant type: single nucleotide variant.
Coding change: c.3403+5509C>T on transcript NM_015080.4 (MANE Select); 5509 bases into the intron after coding-DNA position 3403, C replaced by T.
Molecular consequence: intron variant. On other transcripts: missense variant (1).
Genome position (GRCh38, 1-based): chr11:64,642,710, G>A on the plus strand (C>T on the coding strand, the complement: NRXN2 is on the minus strand). VCF-style: chr11-64642710-G-A. GRCh37 (hg19) VCF-style: chr11-64410182-G-A.
Other names: c.94C>T, p.Pro32Ser (NM_138734.3); c.3283+5509C>T (NM_138732.3); c.3379+5509C>T (NM_001376266.1); c.3358+5509C>T (NM_001376265.1); c.3382+5509C>T (NM_001376267.1, NM_001376263.1); c.3403+5509C>T (NM_001376262.1); short protein forms P32S.
Identifiers: ClinVar variation 560283 (VCV000560283.3), dbSNP rs1565266940, ClinGen allele CA381105004.
Genomic context (GRCh38, chr11:64,642,710, plus strand): 5'-GGGCCCCCTCGGCCGCCCCCAGCAGCAACAGCAGCAACAGCGGCAACAGCGGCAGCAGAG[G>A]TGGCGGCGGCGGCGGTGGAGGCGGCGGCAGGGGCCCAGCCAGGGCCGGGGGGCGGCGCGG-3'